The following is an entry in ClinVar:

NM_001384732.1(CPLANE1):c.1055C>T (p.Thr352Ile)

Gene: CPLANE1 (ciliogenesis and planar polarity effector complex subunit 1; minus strand). Cytogenetic location: 5p13.2.
Variant type: single nucleotide variant.
Coding change: c.1055C>T on transcript NM_001384732.1 (MANE Select); coding-DNA position 1055, C replaced by T.
Protein change: p.Thr352Ile; replaces threonine 352 with isoleucine.
Molecular consequence: missense variant.
Genome position (GRCh38, 1-based): chr5:37,230,933, G>A on the plus strand (C>T on the coding strand, the complement: CPLANE1 is on the minus strand). VCF-style: chr5-37230933-G-A. GRCh37 (hg19) VCF-style: chr5-37231035-G-A.
Other names: c.1055C>T, p.Thr352Ile (NM_023073.4); short protein forms T352I.
Identifiers: ClinVar variation 905941 (VCV000905941.13), dbSNP rs1443893630, ClinGen allele CA359509476.
Genomic context (GRCh38, chr5:37,230,933, plus strand): 5'-GTTATTAGTGGATGAAGAGGAATAAATTCTGCTGGGCCAAATTCTATAGAGCAACCAAAT[G>A]TAATTAATGTTAGCAATTCACCTTGGCAGGTCAATAAAACCAGAGAGCCACGTTTTAACA-3'
Protein context (NP_001371661.1, residues 342-362): TCQGELLTLI[Thr352Ile]FGCSIEFGPA

ClinVar aggregate classification (germline): Uncertain significance. Review status: criteria provided, multiple submitters, no conflicts (2 of 4 stars). 4 submissions from 4 submitters: Uncertain significance (4). Last evaluated 2023-10-03.

Conditions:
Joubert syndrome 17 (JBTS17). Identifiers: Orphanet 475, MedGen C3553264, MONDO:0013824, OMIM 614615.
Orofaciodigital syndrome type 6 (OFD6). Also called: OROFACIODIGITAL SYNDROME VI; OFDS VI; POLYDACTYLY, CLEFT LIP/PALATE OR LINGUAL LUMP, AND PSYCHOMOTOR RETARDATION; VARADI SYNDROME; VARADI-PAPP SYNDROME; Oral-facial-digital syndrome type 6. Identifiers: Orphanet 2754, MedGen C2745997, MONDO:0010176, OMIM 277170.

Allele frequency attached by ClinVar (database versions not stated): gnomAD exomes 0.00003; TOPMed 0.00005.
gnomAD v4.1: 21 of 1,550,416 alleles (0.0014%); highest among the groups gnomAD compares: Admixed American, 0.024%; no homozygotes.

Submissions (4):

Labcorp Genetics (formerly Invitae), Labcorp
Classification: Uncertain significance. Last evaluated: 2023-10-03. Review status: criteria provided, single submitter. Criteria: Invitae Variant Classification Sherloc (09022015). Collection method: clinical testing. Allele origin: germline.
Comment: This sequence change replaces threonine, which is neutral and polar, with isoleucine, which is neutral and non-polar, at codon 352 of the CPLANE1 protein (p.Thr352Ile). This variant is present in population databases (no rsID available, gnomAD 0.02%). This variant has not been reported in the literature in individuals affected with CPLANE1-related conditions. ClinVar contains an entry for this variant (Variation ID: 905941). Advanced modeling of protein sequence and biophysical properties (such as structural, functional, and spatial information, amino acid conservation, physicochemical variation, residue mobility, and thermodynamic stability) performed at Invitae indicates that this missense variant is not expected to disrupt CPLANE1 protein function. In summary, the available evidence is currently insufficient to determine the role of this variant in disease. Therefore, it has been classified as a Variant of Uncertain Significance.

Blueprint Genetics
Classification: Uncertain significance. Last evaluated: 2021-12-22. Review status: criteria provided, single submitter. Criteria: ACMG Guidelines, 2015. Collection method: clinical testing. Allele origin: germline.

Fulgent Genetics
Classification: Uncertain significance for Orofaciodigital syndrome type 6; Joubert syndrome 17. Last evaluated: 2021-12-20. Review status: criteria provided, single submitter. Criteria: ACMG Guidelines, 2015. Collection method: clinical testing. Allele origin: unknown.

Illumina Laboratory Services, Illumina
Classification: Uncertain significance for Joubert syndrome 17. Last evaluated: 2018-01-12. Review status: criteria provided, single submitter. Criteria: ICSL Variant Classification Criteria 13 December 2019. Collection method: clinical testing. Allele origin: germline.